The following is an entry in ClinVar:

NM_000444.6(PHEX):c.2149G>T (p.Val717Phe)

Genes: PHEX (phosphate regulating endopeptidase X-linked; plus strand), PTCHD1-AS (PTCHD1 and PHEX antisense RNA; minus strand). Cytogenetic location: Xp22.11.
Variant type: single nucleotide variant.
Coding change: c.2149G>T on transcript NM_000444.6 (MANE Select); coding-DNA position 2149, G replaced by T.
Protein change: p.Val717Phe; replaces valine 717 with phenylalanine.
Molecular consequence: missense variant.
Genome position (GRCh38, 1-based): chrX:22,247,852, G>T. VCF-style: chrX-22247852-G-T. GRCh37 (hg19) VCF-style: chrX-22265969-G-T.
Other names: c.2072G>T, p.Gly691Val (NM_001282754.2); short protein forms V717F, G691V.
Identifiers: ClinVar variation 948579 (VCV000948579.7), dbSNP rs1936436245, ClinGen allele CA412575348.

ClinVar aggregate classification (germline): Pathogenic (1 of 4 stars; one submission).

Submission:

Labcorp Genetics (formerly Invitae), Labcorp
Classification: Pathogenic. Last evaluated: 2022-08-23. Review status: criteria provided, single submitter. Criteria: Invitae Variant Classification Sherloc (09022015). Collection method: clinical testing. Allele origin: germline.
Comment: For these reasons, this variant has been classified as Pathogenic. This variant disrupts the p.Val717 amino acid residue in PHEX. Other variant(s) that disrupt this residue have been observed in individuals with PHEX-related conditions (PMID: 19219621, 30682568), which suggests that this may be a clinically significant amino acid residue. Algorithms developed to predict the effect of sequence changes on RNA splicing suggest that this variant may create or strengthen a splice site. Algorithms developed to predict the effect of missense changes on protein structure and function are either unavailable or do not agree on the potential impact of this missense change (SIFT: "Deleterious"; PolyPhen-2: "Probably Damaging"; Align-GVGD: "Class C0"). ClinVar contains an entry for this variant (Variation ID: 948579). This missense change has been observed in individual(s) with clinical features of PHEX-related conditions (PMID: 34434907; Invitae). This variant is not present in population databases (gnomAD no frequency). This sequence change replaces valine, which is neutral and non-polar, with phenylalanine, which is neutral and non-polar, at codon 717 of the PHEX protein (p.Val717Phe).

Literature cited by the submitters: PubMed 19219621; PubMed 30682568; PubMed 34434907.